The following is an entry in ClinVar:

ClinVar aggregate classification (germline): Pathogenic (1 of 4 stars; one submission).

Conditions:
X-linked intellectual disability Cabezas type (MRXSC). Also called: CABEZAS SYNDROME; MENTAL RETARDATION, X-LINKED, SYNDROMIC 15; Intellectual developmental disorder, X-linked syndromic, Cabezas type. Identifiers: Orphanet 85289, Orphanet 85293, MedGen C1845861, MONDO:0010306, OMIM 300354.

Submission:

Institute of Human Genetics, University of Leipzig Medical Center
Classification: Pathogenic for X-linked intellectual disability Cabezas type. Last evaluated: 2025-03-04. Review status: criteria provided, single submitter. Criteria: ACMG Guidelines, 2015. Collection method: clinical testing. Allele origin: unknown. Inheritance: X-linked recessive inheritance. Affected: yes.
Comment: Criteria applied: PVS1,PM2

NM_001079872.2(CUL4B):c.1742-2A>G

Gene: CUL4B (cullin 4B; minus strand). Cytogenetic location: Xq24.
Variant type: single nucleotide variant.
Coding change: c.1742-2A>G on transcript NM_001079872.2 (MANE Select); the canonical splice acceptor site of the intron before coding-DNA position 1742, A replaced by G.
Molecular consequence: splice acceptor variant.
Genome position (GRCh38, 1-based): chrX:120,538,772, T>C on the plus strand (A>G on the coding strand, the complement: CUL4B is on the minus strand). VCF-style: chrX-120538772-T-C. GRCh37 (hg19) VCF-style: chrX-119672627-T-C.
Other names: c.1796-2A>G (NM_003588.4); c.1757-2A>G (NM_001330624.2); c.1208-2A>G (NM_001369145.1).
Identifiers: ClinVar variation 3773643 (VCV003773643.2).